The following is an entry in ClinVar:

NM_152564.5(VPS13B):c.2779T>A (p.Phe927Ile)

Gene: VPS13B (vacuolar protein sorting 13 homolog B; plus strand). Cytogenetic location: 8q22.2.
Variant type: single nucleotide variant.
Coding change: c.2779T>A on transcript NM_152564.5 (MANE Select); coding-DNA position 2779, T replaced by A.
Protein change: p.Phe927Ile; replaces phenylalanine 927 with isoleucine.
Molecular consequence: missense variant.
Genome position (GRCh38, 1-based): chr8:99,275,209, T>A. VCF-style: chr8-99275209-T-A. GRCh37 (hg19) VCF-style: chr8-100287437-T-A.
Other names: c.2779T>A, p.Phe927Ile (NM_017890.5); short protein forms F927I.
Identifiers: ClinVar variation 3630094 (VCV003630094.2).

ClinVar aggregate classification (germline): Uncertain significance (1 of 4 stars; one submission).

Conditions:
Cohen syndrome (COH1). Also called: PEPPER SYNDROME; Cutis verticis gyrata, retinitis pigmentosa, and sensorineural deafness. Identifiers: Orphanet 193, MedGen C0265223, MONDO:0008999, OMIM 216550.

Submission:

Labcorp Genetics (formerly Invitae), Labcorp
Classification: Uncertain significance for Cohen syndrome. Last evaluated: 2024-08-09. Review status: criteria provided, single submitter. Criteria: Invitae Variant Classification Sherloc (09022015). Collection method: clinical testing. Allele origin: germline.
Comment: This sequence change replaces phenylalanine, which is neutral and non-polar, with isoleucine, which is neutral and non-polar, at codon 927 of the VPS13B protein (p.Phe927Ile). This variant is not present in population databases (gnomAD no frequency). This variant has not been reported in the literature in individuals affected with VPS13B-related conditions. Advanced modeling of protein sequence and biophysical properties (such as structural, functional, and spatial information, amino acid conservation, physicochemical variation, residue mobility, and thermodynamic stability) performed at Invitae indicates that this missense variant is expected to disrupt VPS13B protein function with a positive predictive value of 80%. In summary, the available evidence is currently insufficient to determine the role of this variant in disease. Therefore, it has been classified as a Variant of Uncertain Significance.